The following is an entry in ClinVar:

NM_001035.3(RYR2):c.12463T>A (p.Ser4155Thr)

Genes: RYR2 (ryanodine receptor 2; plus strand), LOC126806068 (BRD4-independent group 4 enhancer GRCh37_chr1:237947411-237948610; plus strand). Cytogenetic location: 1q43.
Variant type: single nucleotide variant.
Coding change: c.12463T>A on transcript NM_001035.3 (MANE Select); coding-DNA position 12463, T replaced by A.
Protein change: p.Ser4155Thr; replaces serine 4155 with threonine.
Molecular consequence: missense variant.
Genome position (GRCh38, 1-based): chr1:237,784,175, T>A. VCF-style: chr1-237784175-T-A. GRCh37 (hg19) VCF-style: chr1-237947475-T-A.
Other names: c.12463T>A, p.Ser4155Thr (LRG_402t1); short protein forms S4155T.
Identifiers: ClinVar variation 404179 (VCV000404179.9), dbSNP rs1060500135, ClinGen allele CA16610026.

ClinVar aggregate classification (germline): Conflicting classifications of pathogenicity. Review status: criteria provided, conflicting classifications (1 of 4 stars). 5 submissions from 5 submitters: Likely pathogenic (1); Uncertain significance (4). Last evaluated 2026-01-06.

Conditions:
Cardiovascular phenotype. Identifiers: MedGen CN230736.
Arrhythmogenic right ventricular dysplasia 2. Identifiers: MedGen C1832931.
Ventricular arrhythmias due to cardiac ryanodine receptor calcium release deficiency syndrome. Also called: Autosomal dominant cardiac arrhythmia (Kuhn). Identifiers: MedGen C5542154, MONDO:0020745, OMIM 115000.
Catecholaminergic polymorphic ventricular tachycardia 1. Also called: VENTRICULAR TACHYCARDIA, CATECHOLAMINERGIC POLYMORPHIC, 1, WITH OR WITHOUT ATRIAL DYSFUNCTION AND/OR DILATED CARDIOMYOPATHY; RYR2-Related Catecholaminergic Polymorphic Ventricular Tachycardia; VENTRICULAR TACHYCARDIA, STRESS-INDUCED POLYMORPHIC 1. Identifiers: Orphanet 3286, MedGen C1631597, MONDO:0011484, OMIM 604772.
Cardiomyopathy (CMYO). Also called: Cardiomyopathies. Identifiers: Orphanet 167848, MedGen C0878544, MONDO:0004994, HP:0001638. Inheritance: Various modes of inheritance.

Allele frequency attached by ClinVar (database versions not stated): gnomAD exomes below 0.00001.
gnomAD v4.1: 2 of 1,613,786 alleles (0.00012%); highest among the groups gnomAD compares: Non-Finnish European, 0.00017%; no homozygotes.

Submissions (5):

Labcorp Genetics (formerly Invitae), Labcorp
Classification: Likely pathogenic for Catecholaminergic polymorphic ventricular tachycardia 1. Last evaluated: 2026-01-06. Review status: criteria provided, single submitter. Criteria: Invitae Variant Classification Sherloc (09022015). Collection method: clinical testing. Allele origin: germline.
Comment: This sequence change replaces serine, which is neutral and polar, with threonine, which is neutral and polar, at codon 4155 of the RYR2 protein (p.Ser4155Thr). This variant is present in population databases (no rsID available, gnomAD 0.0009%). This variant has not been reported in the literature in individuals affected with RYR2-related conditions. ClinVar contains an entry for this variant (Variation ID: 404179). Invitae Evidence Modeling of protein sequence and biophysical properties (such as structural, functional, and spatial information, amino acid conservation, physicochemical variation, residue mobility, and thermodynamic stability) indicates that this missense variant is expected to disrupt RYR2 protein function with a positive predictive value of 95%. This variant disrupts the p.Ser4155 amino acid residue in RYR2. Other variant(s) that disrupt this residue have been determined to be pathogenic (PMID: 24147812). This suggests that this residue is clinically significant, and that variants that disrupt this residue are likely to be disease-causing. In summary, the currently available evidence indicates that the variant is pathogenic, but additional data are needed to prove that conclusively. Therefore, this variant has been classified as Likely Pathogenic.

Color Diagnostics, LLC DBA Color Health
Classification: Uncertain significance for Cardiomyopathy. Last evaluated: 2025-07-17. Review status: criteria provided, single submitter. Criteria: ACMG Guidelines, 2015. Collection method: clinical testing. Allele origin: germline.
Comment: This missense variant replaces serine with threonine at codon 4155 of the RYR2 protein. Computational prediction is inconclusive regarding the impact of this variant on protein structure and function. This variant is found within a highly conserved region of the cytoplasmic domain. Rare nontruncating variants in this region have been shown to be significantly overrepresented in individuals with catecholaminergic polymorphic ventricular tachycardia (PMID: 19926015, 30696458). To our knowledge, this variant has not been reported in individuals affected with RYR2-related disorders in the literature. This variant has been identified in 1/248774 chromosomes in the general population by the Genome Aggregation Database (gnomAD). A different missense variant occurring at the same codon, p.Ser4155Tyr, has been reported to occur novo in an individual affected with catecholaminergic polymorphic ventricular tachycardia (PMID: 24147812), indicating that serine at this position is important for RYR2 protein function. Although there is a suspicion for a pathogenic role, the available evidence is insufficient to determine the role of this variant in disease conclusively. Therefore, this variant is classified as a Variant of Uncertain Significance.

Ambry Genetics
Classification: Uncertain significance for Cardiovascular phenotype. Last evaluated: 2025-04-07. Review status: criteria provided, single submitter. Criteria: Ambry Variant Classification Scheme 2023. Collection method: clinical testing. Allele origin: germline.
Comment: The p.S4155T variant (also known as c.12463T>A), located in coding exon 90 of the RYR2 gene, results from a T to A substitution at nucleotide position 12463. The serine at codon 4155 is replaced by threonine, an amino acid with similar properties. This amino acid position is well conserved in available vertebrate species. In addition, the in silico prediction for this alteration is inconclusive. Based on the available evidence, the clinical significance of this variant remains unclear.

Women's Health and Genetics/Laboratory Corporation of America, LabCorp
Classification: Uncertain significance. Last evaluated: 2022-07-29. Review status: criteria provided, single submitter. Criteria: LabCorp Variant Classification Summary - May 2015. Collection method: clinical testing. Allele origin: germline.
Comment: Variant summary: RYR2 c.12463T>A (p.Ser4155Thr) results in a conservative amino acid change in the encoded protein sequence. Two of four in-silico tools predict a benign effect of the variant on protein function. The variant allele was found at a frequency of 4e-06 in 248774 control chromosomes (gnomAD). The available data on variant occurrences in the general population are insufficient to allow any conclusion about variant significance. To our knowledge, no occurrence of c.12463T>A in individuals affected with Catecholaminergic Polymorphic Ventricular Tachycardia and no experimental evidence demonstrating its impact on protein function have been reported. One clinical diagnostic laboratory has submitted clinical-significance assessments for this variant to ClinVar after 2014 without evidence for independent evaluation and classified the variant as uncertain significance. Based on the evidence outlined above, the variant was classified as uncertain significance.

Fulgent Genetics
Classification: Uncertain significance for Ventricular arrhythmias due to cardiac ryanodine receptor calcium release deficiency syndrome; Catecholaminergic polymorphic ventricular tachycardia 1. Last evaluated: 2021-10-16. Review status: criteria provided, single submitter. Criteria: ACMG Guidelines, 2015. Collection method: clinical testing. Allele origin: unknown.

Literature cited by the submitters: PubMed 24147812 (cited by Labcorp Genetics (formerly Invitae), Labcorp and Color Diagnostics, LLC DBA Color Health); PubMed 19926015 (cited by Color Diagnostics, LLC DBA Color Health); PubMed 30696458 (cited by Color Diagnostics, LLC DBA Color Health).